The following is an entry in ClinVar:

ClinVar aggregate classification (germline): Uncertain significance (1 of 4 stars; one submission).

Allele frequency attached by ClinVar (database versions not stated): gnomAD exomes 0.00001.
gnomAD v4.1: 15 of 1,612,872 alleles (0.00093%); highest among the groups gnomAD compares: Non-Finnish European, 0.0013%; no homozygotes.

Submission:

GeneDx
Classification: Uncertain significance. Last evaluated: 2019-10-17. Review status: criteria provided, single submitter. Criteria: GeneDx Variant Classification Process June 2021. Collection method: clinical testing. Allele origin: germline. Affected: yes.
Comment: Not observed in large population cohorts (Lek et al., 2016); In silico analysis, which includes protein predictors and evolutionary conservation, supports a deleterious effect; Has not been previously published as pathogenic or benign to our knowledge

NM_001377142.1(PLCB4):c.2160A>G (p.Ile720Met)

Gene: PLCB4 (phospholipase C beta 4; plus strand). Cytogenetic location: 20p12.2.
Variant type: single nucleotide variant.
Coding change: c.2160A>G on transcript NM_001377142.1 (MANE Select); coding-DNA position 2160, A replaced by G.
Protein change: p.Ile720Met; replaces isoleucine 720 with methionine.
Molecular consequence: missense variant.
Genome position (GRCh38, 1-based): chr20:9,421,302, A>G. VCF-style: chr20-9421302-A-G. GRCh37 (hg19) VCF-style: chr20-9401949-A-G.
Other names: c.2124A>G, p.Ile708Met (NM_000933.4, NM_001377134.2, NM_001377135.1 and 2 more transcripts); c.2160A>G, p.Ile720Met (NM_001172646.2, NM_001377143.1); short protein forms I708M, I720M.
Identifiers: ClinVar variation 1309250 (VCV001309250.2), dbSNP rs922293587, ClinGen allele CA311276729.
Genomic context (GRCh38, chr20:9,421,302, plus strand): 5'-CTACTGATGCTTACACAGAGCTTACTTCTCTTTGCTCTCGTTCGTGCTGCTACAGGTTAT[A>G]TCAGGTCAATTCTTATCAGATAAGAAAATTGGCACCTACGTAGAGGTGGATATGTATGGG-3'
Protein context (NP_001364071.1, residues 710-730): VIAATCSVQV[Ile720Met]SGQFLSDKKI